The following is an entry in ClinVar:

NM_001394062.1(MACF1):c.17735C>T (p.Ser5912Phe)

Gene: MACF1 (microtubule actin crosslinking factor 1; plus strand). Cytogenetic location: 1p34.3.
Variant type: single nucleotide variant.
Coding change: c.17735C>T on transcript NM_001394062.1 (MANE Select); coding-DNA position 17735, C replaced by T.
Protein change: p.Ser5912Phe; replaces serine 5912 with phenylalanine.
Molecular consequence: missense variant.
Genome position (GRCh38, 1-based): chr1:39,434,583, C>T. VCF-style: chr1-39434583-C-T. GRCh37 (hg19) VCF-style: chr1-39900255-C-T.
Other names: c.5804C>T, p.Ser1935Phe (NM_001397473.1); c.11549C>T, p.Ser3850Phe (NM_012090.5); short protein forms S5912F, S1935F, S3850F.
Identifiers: ClinVar variation 5003032 (VCV005003032.1).

ClinVar aggregate classification (germline): Uncertain significance (1 of 4 stars; one submission).

Conditions:
Lissencephaly 9 with complex brainstem malformation. Identifiers: Orphanet 572013, MedGen C5193029, MONDO:0032677, OMIM 618325.

Submission:

OLLIN Analises Genomicas, OLLIN
Classification: Uncertain significance for Lissencephaly 9 with complex brainstem malformation. Last evaluated: 2026-08-06. Review status: criteria provided, single submitter. Criteria: ACMG Guidelines 2015 PMID 25741868. Collection method: clinical testing. Allele origin: germline. Inheritance: Autosomal dominant inheritance.
Comment: This missense variant, located in exon 69 (of 101), is absent from gnomAD and ClinVar and has not been identified in the literature. In silico analysis predicts that this variant has a tolerated effect. This gene is constrained for missense variation. According to the currently available evidence, this variant has been classified as uncertain significance (PM2_P, PP2, BP4_M).